The following is an entry in ClinVar:

ClinVar aggregate classification (germline): Likely benign (1 of 4 stars; one submission).

gnomAD v4.1: 1 of 1,608,140 alleles (0.000062%); highest among the groups gnomAD compares: South Asian, 0.0011%; no homozygotes.

Submission:

CeGaT Center for Human Genetics Tuebingen
Classification: Likely benign. Last evaluated: 2025-04-01. Review status: criteria provided, single submitter. Criteria: CeGaT Center For Human Genetics Tuebingen Variant Classification Criteria Version 2. Collection method: clinical testing. Allele origin: germline. Affected: yes. Observed: 1 variant allele.
Comment: RORA: BP4, BP7

NM_134261.3(RORA):c.1308G>T (p.Leu436=)

Genes: RORA (RAR related orphan receptor A; minus strand), RORA-AS1 (RORA antisense RNA 1; plus strand). Cytogenetic location: 15q22.2.
Variant type: single nucleotide variant.
Coding change: c.1308G>T on transcript NM_134261.3 (MANE Select); coding-DNA position 1308, G replaced by T.
Protein change: p.Leu436=; no amino-acid change (leucine 436 retained).
Molecular consequence: synonymous variant.
Genome position (GRCh38, 1-based): chr15:60,499,991, C>A on the plus strand (G>T on the coding strand, the complement: RORA is on the minus strand). VCF-style: chr15-60499991-C-A. GRCh37 (hg19) VCF-style: chr15-60792190-C-A.
Other names: c.1383G>T, p.Leu461= (NM_002943.4); c.1407G>T, p.Leu469= (NM_134260.3); c.1143G>T, p.Leu381= (NM_134262.3).
Identifiers: ClinVar variation 3898595 (VCV003898595.7).